The following is an entry in ClinVar:

ClinVar aggregate classification (germline): Conflicting classifications of pathogenicity. Review status: criteria provided, conflicting classifications (1 of 4 stars). 3 submissions from 3 submitters: Uncertain significance (1); Benign (1); Likely benign (1). Last evaluated 2026-08-01.

Conditions:
Inborn genetic diseases. Identifiers: MedGen C0950123, MeSH D030342.
Developmental and epileptic encephalopathy, 54. Also called: Epileptic encephalopathy, early infantile, 54; HNRNPU-Related Neurodevelopmental Disorder. Identifiers: MedGen C4479319, MONDO:0033363, OMIM 617391.

Allele frequency attached by ClinVar (database versions not stated): gnomAD exomes below 0.00001 and 0.00001; TOPMed below 0.00001; ExAC 0.00001; 1000 Genomes Project 0.00020; 1000 Genomes Project 30x 0.00031.
gnomAD v4.1: 4 of 1,613,048 alleles (0.00025%); highest among the groups gnomAD compares: Admixed American, 0.0067%; no homozygotes.

Submissions (3):

CeGaT Center for Human Genetics Tuebingen
Classification: Likely benign. Last evaluated: 2026-08-01. Review status: criteria provided, single submitter. Criteria: CeGaT Center For Human Genetics Tuebingen Variant Classification Criteria Version 2. Collection method: clinical testing. Allele origin: germline. Affected: yes. Observed: 1 variant allele.
Comment: HNRNPU: BS2

Labcorp Genetics (formerly Invitae), Labcorp
Classification: Benign for Developmental and epileptic encephalopathy, 54. Last evaluated: 2025-02-12. Review status: criteria provided, single submitter. Criteria: Invitae Variant Classification Sherloc (09022015). Collection method: clinical testing. Allele origin: germline.

Ambry Genetics
Classification: Uncertain significance for Inborn genetic diseases. Last evaluated: 2024-01-23. Review status: criteria provided, single submitter. Criteria: Ambry Variant Classification Scheme 2023. Collection method: clinical testing. Allele origin: germline.

NM_031844.3(HNRNPU):c.441C>G (p.Asp147Glu)

Gene: HNRNPU (heterogeneous nuclear ribonucleoprotein U; minus strand). Cytogenetic location: 1q44.
Variant type: single nucleotide variant.
Coding change: c.441C>G on transcript NM_031844.3 (MANE Select); coding-DNA position 441, C replaced by G.
Protein change: p.Asp147Glu; replaces aspartic acid 147 with glutamic acid.
Molecular consequence: missense variant.
Genome position (GRCh38, 1-based): chr1:244,863,867, G>C on the plus strand (C>G on the coding strand, the complement: HNRNPU is on the minus strand). VCF-style: chr1-244863867-G-C. GRCh37 (hg19) VCF-style: chr1-245027169-G-C.
Other names: c.441C>G, p.Asp147Glu (NM_004501.3); short protein forms D147E.
Identifiers: ClinVar variation 644677 (VCV000644677.13), dbSNP rs539279281, ClinGen allele CA1486799.